The following is an entry in ClinVar:

ClinVar aggregate classification (germline): Uncertain significance (1 of 4 stars; one submission).

gnomAD v4.1: 1 of 1,614,144 alleles (0.000062%); highest among the groups gnomAD compares: Middle Eastern, 0.016%; no homozygotes.

Submission:

Ambry Genetics
Classification: Uncertain significance. Last evaluated: 2025-01-04. Review status: criteria provided, single submitter. Criteria: Ambry Variant Classification Scheme 2023. Collection method: clinical testing. Allele origin: germline.
Comment: The p.S1349R variant (also known as c.4047T>G), located in coding exon 14 of the CDK12 gene, results from a T to G substitution at nucleotide position 4047. The serine at codon 1349 is replaced by arginine, an amino acid with dissimilar properties. This amino acid position is conserved. In addition, this alteration is predicted to be tolerated by in silico analysis. Based on the available evidence, the clinical significance of this variant remains unclear.

NM_016507.4(CDK12):c.4047T>G (p.Ser1349Arg)

Gene: CDK12 (cyclin dependent kinase 12; plus strand). Cytogenetic location: 17q12.
Variant type: single nucleotide variant.
Coding change: c.4047T>G on transcript NM_016507.4 (MANE Select); coding-DNA position 4047, T replaced by G.
Protein change: p.Ser1349Arg; replaces serine 1349 with arginine.
Molecular consequence: missense variant.
Genome position (GRCh38, 1-based): chr17:39,530,890, T>G. VCF-style: chr17-39530890-T-G. GRCh37 (hg19) VCF-style: chr17-37687143-T-G.
Other names: c.4020T>G, p.Ser1340Arg (NM_015083.4); short protein forms S1340R, S1349R.
Identifiers: ClinVar variation 3830446 (VCV003830446.1).